The following is an entry in ClinVar:

NM_004946.3(DOCK2):c.934_935delinsAA (p.Ala312Lys)

Genes: DOCK2 (dedicator of cytokinesis 2; plus strand), LOC126807589 (BRD4-independent group 4 enhancer GRCh37_chr5:169122482-169123681; plus strand). Cytogenetic location: 5q35.1.
Variant type: Indel.
Coding change: c.934_935delinsAA on transcript NM_004946.3 (MANE Select); coding-DNA positions 934 to 935, GC replaced by AA.
Protein change: p.Ala312Lys; replaces alanine 312 with lysine.
Molecular consequence: missense variant. On other transcripts: non-coding transcript variant (1).
Genome position (GRCh38, 1-based): chr5:169,695,893-169,695,894, GC replaced by AA. VCF-style: chr5-169695893-GC-AA. GRCh37 (hg19) VCF-style: chr5-169122897-GC-AA.
Other names: short protein forms A312K.
Identifiers: ClinVar variation 952838 (VCV000952838.9), dbSNP rs1760590564, ClinGen allele CA1139659250.

ClinVar aggregate classification (germline): Uncertain significance (1 of 4 stars; one submission).

Conditions:
DOCK2 deficiency. Also called: Immunodeficiency 40. Identifiers: Orphanet 447737, MedGen C4225328, MONDO:0014637, OMIM 616433.

Submission:

Labcorp Genetics (formerly Invitae), Labcorp
Classification: Uncertain significance for DOCK2 deficiency. Last evaluated: 2022-02-25. Review status: criteria provided, single submitter. Criteria: Invitae Variant Classification Sherloc (09022015). Collection method: clinical testing. Allele origin: germline.
Comment: This sequence change replaces alanine, which is neutral and non-polar, with lysine, which is basic and polar, at codon 312 of the DOCK2 protein (p.Ala312Lys). This variant is present in population databases (no rsID available, gnomAD 0.1%). This variant has not been reported in the literature in individuals affected with DOCK2-related conditions. ClinVar contains an entry for this variant (Variation ID: 952838). Algorithms developed to predict the effect of missense changes on protein structure and function are either unavailable or do not agree on the potential impact of this missense change (SIFT: "Not Available"; PolyPhen-2: "Benign"; Align-GVGD: "Not Available"). In summary, the available evidence is currently insufficient to determine the role of this variant in disease. Therefore, it has been classified as a Variant of Uncertain Significance.